The following is an entry in ClinVar:

ClinVar aggregate classification (germline): Likely pathogenic (1 of 4 stars; one submission).

Conditions:
Salla disease (SD). Also called: Less Severe FSASD (Salla Disease); Sialuria, Finnish type; N-acetylneuraminic acid (NANA) storage disease (NSD); Infantile sialic acid storage disorder (ISSD). Identifiers: Orphanet 309334, Orphanet 834, MedGen C1096903, MONDO:0011449, OMIM 604369.

Submission:

Natera, Inc.
Classification: Likely pathogenic for Salla disease. Last evaluated: 2024-07-09. Review status: criteria provided, single submitter. Criteria: Natera Variant Classification Schema (03/2026). Collection method: clinical testing. Allele origin: germline.
Comment: The c.973C>T variant in SLC17A5 is a nonsense variant predicted to introduce a stop codon at amino acid 325. This variant is expected to result in nonsense mediated decay, truncation, or a dysfunctional protein product. This variant is rare in the general population with a frequency below the threshold expected for the associated phenotype(s). Given the available evidence, this variant is classified as Likely Pathogenic.

NM_012434.5(SLC17A5):c.973C>T (p.Gln325Ter)

Gene: SLC17A5 (solute carrier family 17 member 5; minus strand). Cytogenetic location: 6q13.
Variant type: single nucleotide variant.
Coding change: c.973C>T on transcript NM_012434.5 (MANE Select); coding-DNA position 973, C replaced by T.
Protein change: p.Gln325Ter; replaces glutamine 325 with a stop codon.
Molecular consequence: nonsense. On other transcripts: intron variant (1).
Genome position (GRCh38, 1-based): chr6:73,621,809, G>A on the plus strand (C>T on the coding strand, the complement: SLC17A5 is on the minus strand). VCF-style: chr6-73621809-G-A. GRCh37 (hg19) VCF-style: chr6-74331532-G-A.
Other names: c.994C>T, p.Gln332Ter (NM_001382631.1); c.886C>T, p.Gln296Ter (NM_001382632.1); c.973C>T, p.Gln325Ter (NM_001382633.1, NM_001382630.1); c.970C>T, p.Gln324Ter (NM_001382635.1); c.655C>T, p.Gln219Ter (NM_001382636.1); c.820-6362C>T (NM_001382634.1); c.742C>T, p.Gln248Ter (NM_001382629.1); short protein forms Q219*, Q248*, Q296*, Q324*, Q325*, Q332*.
Identifiers: ClinVar variation 4815576 (VCV004815576.1).
Genomic context (GRCh38, chr6:73,621,809, plus strand): 5'-TCTGTGTATGGTCTTATACTATATATATAAGAAGCAGATGATTATTTTTTCTTACCTCTT[G>A]AACATTGAACCTTAGGATCTCCTTCATATAAGTAGGCAATAATGTCAATAAAGTATAAAA-3'